The following is an entry in ClinVar:

NM_001365951.3(KIF1B):c.149T>A (p.Phe50Tyr)

Gene: KIF1B (kinesin family member 1B; plus strand). Cytogenetic location: 1p36.22.
Variant type: single nucleotide variant.
Coding change: c.149T>A on transcript NM_001365951.3 (MANE Select); coding-DNA position 149, T replaced by A.
Protein change: p.Phe50Tyr; replaces phenylalanine 50 with tyrosine.
Molecular consequence: missense variant.
Genome position (GRCh38, 1-based): chr1:10,256,289, T>A. VCF-style: chr1-10256289-T-A. GRCh37 (hg19) VCF-style: chr1-10316347-T-A.
Other names: c.149T>A, p.Phe50Tyr (NM_001365952.1, NM_001365953.1, NM_015074.3 and 1 more transcripts); short protein forms F50Y.
Identifiers: ClinVar variation 3226357 (VCV003226357.1), dbSNP rs759145971, ClinGen allele CA580623.

ClinVar aggregate classification (germline): Uncertain significance (1 of 4 stars; one submission).

Allele frequency attached by ClinVar (database versions not stated): gnomAD exomes below 0.00001; ExAC 0.00001.
gnomAD v4.1: 1 of 1,612,624 alleles (0.000062%); highest among the groups gnomAD compares: South Asian, 0.0011%; no homozygotes.

Submission:

Ambry Genetics
Classification: Uncertain significance. Last evaluated: 2024-03-09. Review status: criteria provided, single submitter. Criteria: Ambry Variant Classification Scheme 2023. Collection method: clinical testing. Allele origin: germline.
Comment: The p.F50Y variant (also known as c.149T>A), located in coding exon 2 of the KIF1B gene, results from a T to A substitution at nucleotide position 149. The phenylalanine at codon 50 is replaced by tyrosine, an amino acid with highly similar properties. This amino acid position is conserved. In addition, this alteration is predicted to be deleterious by in silico analysis. Based on the available evidence, the clinical significance of this alteration remains unclear.